The following is an entry in ClinVar:

ClinVar aggregate classification (germline): Uncertain significance (1 of 4 stars; one submission).

gnomAD v4.1: 4 of 1,610,918 alleles (0.00025%); highest among the groups gnomAD compares: Non-Finnish European, 0.00034%; no homozygotes.

Submission:

Labcorp Genetics (formerly Invitae), Labcorp
Classification: Uncertain significance. Last evaluated: 2024-07-19. Review status: criteria provided, single submitter. Criteria: Invitae Variant Classification Sherloc (09022015). Collection method: clinical testing. Allele origin: germline.
Comment: This sequence change replaces glutamic acid, which is acidic and polar, with glutamine, which is neutral and polar, at codon 312 of the GFAP protein (p.Glu312Gln). This variant is not present in population databases (gnomAD no frequency). This variant has not been reported in the literature in individuals affected with GFAP-related conditions. ClinVar contains an entry for this variant (Variation ID: 1941624). Advanced modeling of protein sequence and biophysical properties (such as structural, functional, and spatial information, amino acid conservation, physicochemical variation, residue mobility, and thermodynamic stability) has been performed at Invitae for this missense variant, however the output from this modeling did not meet the statistical confidence thresholds required to predict the impact of this variant on GFAP protein function. In summary, the available evidence is currently insufficient to determine the role of this variant in disease. Therefore, it has been classified as a Variant of Uncertain Significance.

NM_002055.5(GFAP):c.934G>C (p.Glu312Gln)

Gene: GFAP (glial fibrillary acidic protein; minus strand). Cytogenetic location: 17q21.31.
Variant type: single nucleotide variant.
Coding change: c.934G>C on transcript NM_002055.5 (MANE Select); coding-DNA position 934, G replaced by C.
Protein change: p.Glu312Gln; replaces glutamic acid 312 with glutamine.
Molecular consequence: missense variant.
Genome position (GRCh38, 1-based): chr17:44,911,429, C>G on the plus strand (G>C on the coding strand, the complement: GFAP is on the minus strand). VCF-style: chr17-44911429-C-G. GRCh37 (hg19) VCF-style: chr17-42988797-C-G.
Other names: c.934G>C, p.Glu312Gln (NM_001131019.3, NM_001242376.3, NM_001363846.2); short protein forms E312Q.
Identifiers: ClinVar variation 1941624 (VCV001941624.5), dbSNP rs763868966, ClinGen allele CA399844381.